The following is an entry in ClinVar:

ClinVar aggregate classification (germline): Uncertain significance. Review status: criteria provided, multiple submitters, no conflicts (2 of 4 stars). 2 submissions from 2 submitters: Uncertain significance (2). Last evaluated 2025-05-30.

Conditions:
Arthrogryposis, cleft palate, craniosynostosis, and impaired intellectual development. Identifiers: Orphanet 565858, MedGen C4748872, MONDO:0032642, OMIM 618265.
Developmental and epileptic encephalopathy 91. Also called: EPILEPTIC ENCEPHALOPATHY, INFANTILE OR EARLY CHILDHOOD, 1. Identifiers: MedGen C4540199, MONDO:0020630, OMIM 617711.

Allele frequency attached by ClinVar (database versions not stated): gnomAD 0.00001; gnomAD exomes 0.00001; ExAC 0.00002.
gnomAD v4.1: 19 of 1,613,866 alleles (0.0012%); highest among the groups gnomAD compares: South Asian, 0.0022%; no homozygotes.

Submissions (2):

Labcorp Genetics (formerly Invitae), Labcorp
Classification: Uncertain significance. Last evaluated: 2025-05-30. Review status: criteria provided, single submitter. Criteria: Invitae Variant Classification Sherloc (09022015). Collection method: clinical testing. Allele origin: germline.
Comment: This sequence change replaces arginine, which is basic and polar, with histidine, which is basic and polar, at codon 42 of the PPP3CA protein (p.Arg42His). This variant is present in population databases (rs762386324, gnomAD 0.004%). This variant has not been reported in the literature in individuals affected with PPP3CA-related conditions. ClinVar contains an entry for this variant (Variation ID: 1472340). Invitae Evidence Modeling of protein sequence and biophysical properties (such as structural, functional, and spatial information, amino acid conservation, physicochemical variation, residue mobility, and thermodynamic stability) indicates that this missense variant is not expected to disrupt PPP3CA protein function with a negative predictive value of 80%. In summary, the available evidence is currently insufficient to determine the role of this variant in disease. Therefore, it has been classified as a Variant of Uncertain Significance.

Fulgent Genetics
Classification: Uncertain significance for Developmental and epileptic encephalopathy 91; Arthrogryposis, cleft palate, craniosynostosis, and impaired intellectual development. Last evaluated: 2024-06-21. Review status: criteria provided, single submitter. Criteria: ACMG Guidelines, 2015. Collection method: clinical testing. Allele origin: germline.

NM_000944.5(PPP3CA):c.125G>A (p.Arg42His)

Gene: PPP3CA (protein phosphatase 3 catalytic subunit alpha; minus strand). Cytogenetic location: 4q24.
Variant type: single nucleotide variant.
Coding change: c.125G>A on transcript NM_000944.5 (MANE Select); coding-DNA position 125, G replaced by A.
Protein change: p.Arg42His; replaces arginine 42 with histidine.
Molecular consequence: missense variant.
Genome position (GRCh38, 1-based): chr4:101,196,050, C>T on the plus strand (G>A on the coding strand, the complement: PPP3CA is on the minus strand). VCF-style: chr4-101196050-C-T. GRCh37 (hg19) VCF-style: chr4-102117207-C-T.
Other names: c.125G>A, p.Arg42His (NM_001130691.2, NM_001130692.2); short protein forms R42H.
Identifiers: ClinVar variation 1472340 (VCV001472340.10), dbSNP rs762386324, ClinGen allele CA3024553.